The following is an entry in ClinVar:

NM_001005242.3(PKP2):c.1527C>A (p.Asp509Glu)

Gene: PKP2 (plakophilin 2; minus strand). Cytogenetic location: 12p11.21.
Variant type: single nucleotide variant.
Coding change: c.1527C>A on transcript NM_001005242.3 (MANE Select); coding-DNA position 1527, C replaced by A.
Protein change: p.Asp509Glu; replaces aspartic acid 509 with glutamic acid.
Molecular consequence: missense variant.
Genome position (GRCh38, 1-based): chr12:32,841,057, G>T on the plus strand (C>A on the coding strand, the complement: PKP2 is on the minus strand). VCF-style: chr12-32841057-G-T. GRCh37 (hg19) VCF-style: chr12-32993991-G-T.
Other names: c.1527C>A, p.Asp509Glu (NM_001407155.1, NM_001407156.1, NM_001407161.1); c.1659C>A, p.Asp553Glu (NM_001407157.1, NM_004572.4); c.1200C>A, p.Asp400Glu (NM_001407158.1, NM_001407159.1, NM_001407160.1 and 1 more transcripts); short protein forms D509E, D553E, D400E.
Identifiers: ClinVar variation 4614726 (VCV004614726.1).

ClinVar aggregate classification (germline): Uncertain significance (1 of 4 stars; one submission).

Conditions:
Cardiovascular phenotype. Identifiers: MedGen CN230736.

gnomAD v4.1: 1 of 1,613,686 alleles (0.000062%); highest among the groups gnomAD compares: African/African-American, 0.0013%; no homozygotes.

Submission:

Ambry Genetics
Classification: Uncertain significance for Cardiovascular phenotype. Last evaluated: 2025-10-14. Review status: criteria provided, single submitter. Criteria: Ambry Variant Classification Scheme 2023. Collection method: clinical testing. Allele origin: germline.
Comment: The p.D553E variant (also known as c.1659C>A), located in coding exon 7 of the PKP2 gene, results from a C to A substitution at nucleotide position 1659. The aspartic acid at codon 553 is replaced by glutamic acid, an amino acid with highly similar properties. This amino acid position is conserved. In addition, this alteration is predicted to be tolerated by in silico analysis. Based on the available evidence, the clinical significance of this variant remains unclear.